The following is an entry in ClinVar:

NM_001366102.1(TDRD12):c.287A>C (p.Asp96Ala)

Gene: TDRD12 (tudor domain containing 12; plus strand). Cytogenetic location: 19q13.11.
Variant type: single nucleotide variant.
Coding change: c.287A>C on transcript NM_001366102.1 (MANE Select); coding-DNA position 287, A replaced by C.
Protein change: p.Asp96Ala; replaces aspartic acid 96 with alanine.
Molecular consequence: missense variant.
Genome position (GRCh38, 1-based): chr19:32,738,959, A>C. VCF-style: chr19-32738959-A-C. GRCh37 (hg19) VCF-style: chr19-33229865-A-C.
Other names: c.287A>C, p.Asp96Ala (NM_001110822.2); short protein forms D96A.
Identifiers: ClinVar variation 3024502 (VCV003024502.2), dbSNP rs1220731349.

ClinVar aggregate classification (germline): Uncertain significance. Review status: criteria provided, multiple submitters, no conflicts (2 of 4 stars). 2 submissions from 2 submitters: Uncertain significance (2). Last evaluated 2025-09-18.

Conditions:
TDRD12-related disorder.
Male infertility. Identifiers: MedGen C0021364, MeSH D007248, MONDO:0005372, HP:0003251.

Allele frequency attached by ClinVar (database versions not stated): gnomAD 0.00001; TOPMed below 0.00001.
gnomAD v4.1: 24 of 1,550,782 alleles (0.0015%); highest among the groups gnomAD compares: Non-Finnish European, 0.0021%; no homozygotes.

Submissions (2):

3billion
Classification: Uncertain significance for TDRD12-related disorder. Last evaluated: 2025-09-18. Review status: criteria provided, single submitter. Criteria: ACMG Guidelines, 2015. Collection method: clinical testing. Allele origin: germline. Affected: yes.
Comment: The variant is observed at an extremely low frequency in the gnomAD v4.1.0 dataset (total allele frequency: 0.002%). Predicted Consequence/Location: Missense variant. The majority of the known disease-causing variants of this gene are variants expected to result in premature termination of the protein. In silico tool predictions suggest damaging effect of the variant on gene or gene product [REVEL: 0.85 (>=0.6, sensitivity 0.68 and specificity 0.92); 3Cnet: 0.99 (> 0.75, sensitivity 0.96 and precision 0.92)]. The same nucleotide change resulting in the same amino acid change has been previously reported to be associated with TDRD12-related disorder (PMID: 39122675). However, the evidence of pathogenicity is insufficient at this time. Therefore, this variant is classified as VUS according to the recommendation of ACMG/AMP guideline.

Institute of Reproductive Genetics, University of Münster
Classification: Uncertain significance for Male infertility. Last evaluated: 2023-02-27. Review status: criteria provided, single submitter. Criteria: Uk Practice Guidelines For Variant Classification V4 01 2020. Collection method: research. Allele origin: germline. Observed: 1 variant allele, 1 homozygote.

Literature cited by the submitters: PubMed 39122675 (cited by 3billion).